The following is an entry in ClinVar:

NM_001267550.2(TTN):c.89711G>A (p.Arg29904His)

Genes: TTN (titin; minus strand), TTN-AS1 (TTN antisense RNA 1; plus strand). Cytogenetic location: 2q31.2.
Variant type: single nucleotide variant.
Coding change: c.89711G>A on transcript NM_001267550.2 (MANE Select); coding-DNA position 89711, G replaced by A.
Protein change: p.Arg29904His; replaces arginine 29904 with histidine.
Molecular consequence: missense variant.
Genome position (GRCh38, 1-based): chr2:178,553,189, C>T on the plus strand (G>A on the coding strand, the complement: TTN is on the minus strand). VCF-style: chr2-178553189-C-T. GRCh37 (hg19) VCF-style: chr2-179417916-C-T.
Other names: c.82007G>A, p.Arg27336His (NM_133378.4); c.84788G>A, p.Arg28263His (NM_001256850.1); c.62516G>A, p.Arg20839His (NM_003319.4); c.62891G>A, p.Arg20964His (NM_133432.3); c.63092G>A, p.Arg21031His (NM_133437.4); short protein forms R29904H, R27336H, R20839H, R28263H, R20964H, R21031H.
Identifiers: ClinVar variation 47491 (VCV000047491.14), dbSNP rs397517744, ClinGen allele CA141168.

ClinVar aggregate classification (germline): Uncertain significance. Review status: criteria provided, multiple submitters, no conflicts (2 of 4 stars). 7 submissions from 7 submitters: Uncertain significance (7). Last evaluated 2025-10-08.

Conditions:
TTN-related disorder. Also called: TTN-related condition; TTN-related disease; TTN-related disorders.
Cardiovascular phenotype. Identifiers: MedGen CN230736.
Myopathy, myofibrillar, 9, with early respiratory failure (MFM9). Also called: Hereditary myopathy with early respiratory failure; EDSTROM MYOPATHY; MYOPATHY, PROXIMAL, WITH EARLY RESPIRATORY MUSCLE INVOLVEMENT; Myopathy, distal, with early respiratory failure, autosomal dominant. Identifiers: Orphanet 178464, Orphanet 34521, MedGen C1863599, MONDO:0011362, OMIM 603689.
Autosomal recessive limb-girdle muscular dystrophy type 2J (LGMDR10). Also called: Limb-girdle muscular dystrophy, type 2J; MUSCULAR DYSTROPHY, LIMB-GIRDLE, AUTOSOMAL RECESSIVE 10. Identifiers: Orphanet 140922, MedGen C1837342, MONDO:0012127, OMIM 608807.
Early-onset myopathy with fatal cardiomyopathy (CMYO5). Also called: Salih Myopathy; CONGENITAL MYOPATHY 5 WITH CARDIOMYOPATHY. Identifiers: Orphanet 289377, MedGen C2673677, MONDO:0012714, OMIM 611705. Disease mechanism: loss of function.
Hypertrophic cardiomyopathy 9. Also called: Familial hypertrophic cardiomyopathy 9. Identifiers: MedGen C1861065, MONDO:0013412, OMIM 613765.
Dilated cardiomyopathy 1G (CMD1G). Identifiers: Orphanet 154, MedGen C1858763, MONDO:0011400, OMIM 604145.
Tibial muscular dystrophy (TMD). Also called: Tibial muscular dystrophy, tardive; UDD MYOPATHY; Udd Distal Myopathy – Tibial Muscular Dystrophy. Identifiers: Orphanet 609, MedGen C1838244, MONDO:0010870, OMIM 600334.

Allele frequency attached by ClinVar (database versions not stated): gnomAD 0.00004 and 0.00005; ExAC 0.00007; TOPMed 0.00010.
gnomAD v4.1: 34 of 1,613,694 alleles (0.0021%); highest among the groups gnomAD compares: Admixed American, 0.023%; no homozygotes.

Submissions (7):

PreventionGenetics, part of Exact Sciences
Classification: Uncertain significance for TTN-related condition. Last evaluated: 2025-10-08. Review status: criteria provided, single submitter. Criteria: ACMG Guidelines, 2015. Collection method: clinical testing. Allele origin: germline.
Comment: The TTN c.89711G>A variant is predicted to result in the amino acid substitution p.Arg29904His. To our knowledge, this variant has not been reported in the literature. This variant is reported in 0.033% of alleles in individuals of African descent in gnomAD. At this time, the clinical significance of this variant is uncertain due to the absence of conclusive functional and genetic evidence.

Revvity Omics, Revvity
Classification: Uncertain significance. Last evaluated: 2024-07-02. Review status: criteria provided, single submitter. Criteria: ACMG Guidelines, 2015. Collection method: clinical testing. Allele origin: germline.

New York Genome Center
Classification: Uncertain significance for Hypertrophic cardiomyopathy 9; Dilated cardiomyopathy 1G. Last evaluated: 2022-04-08. Review status: criteria provided, single submitter. Criteria: NYGC Assertion Criteria 2020. Collection method: clinical testing. Allele origin: germline. Observed: 1 heterozygote.
Comment: The variant has 0.00003943 allele frequency in the gnomAD (v3.1.2) database (6 out of 152164 heterozygous alleles, no homozygotes)suggesting it is not a common benign variant in the populations represented in that database. This variant is reported as a variant of uncertain significance in the ClinVar database (Variation ID: 47491). The variant affects a conserved residue (Arg29904) located in the Ig like and fibronectin type III domain of A-Band of TTN protein (PMID: 29238064, Uniprot and an online resource). In silico predictions are moderately in favor of damaging effect for p. Arg29904His (CADD score =34,REVEL score = 0.486). Based on the available evidence, the c.89711G>A (p. Arg29904His) missense variant identified in the TTN gene is reported as a Variant of Uncertain Significance.

Fulgent Genetics
Classification: Uncertain significance for Tibial muscular dystrophy; Myopathy, myofibrillar, 9, with early respiratory failure; Dilated cardiomyopathy 1G; Autosomal recessive limb-girdle muscular dystrophy type 2J; Early-onset myopathy with fatal cardiomyopathy; Hypertrophic cardiomyopathy 9. Last evaluated: 2021-07-13. Review status: criteria provided, single submitter. Criteria: ACMG Guidelines, 2015. Collection method: clinical testing. Allele origin: unknown.

Ambry Genetics
Classification: Uncertain significance for Cardiovascular phenotype. Last evaluated: 2019-02-14. Review status: criteria provided, single submitter. Criteria: Ambry Variant Classification Scheme 2023. Collection method: clinical testing. Allele origin: germline.
Comment: The p.R20839H variant (also known as c.62516G>A), located in coding exon 162 of the TTN gene, results from a G to A substitution at nucleotide position 62516. The arginine at codon 20839 is replaced by histidine, an amino acid with highly similar properties. This amino acid position is highly conserved in available vertebrate species. In addition, this alteration is predicted to be tolerated by in silico analysis. Since supporting evidence is limited at this time, the clinical significance of this alteration remains unclear.

Labcorp Genetics (formerly Invitae), Labcorp
Classification: Uncertain significance for Dilated cardiomyopathy 1G; Autosomal recessive limb-girdle muscular dystrophy type 2J. Last evaluated: 2017-10-26. Review status: criteria provided, single submitter. Criteria: Invitae Variant Classification Sherloc (09022015). Collection method: clinical testing. Allele origin: germline.

Laboratory for Molecular Medicine, Mass General Brigham Personalized Medicine
Classification: Uncertain significance. Last evaluated: 2012-03-22. Review status: criteria provided, single submitter. Criteria: LMM Criteria. Collection method: clinical testing. Allele origin: germline. Observed: 2 variant alleles.
Comment: Arginine (Arg ) at position 27336 is conserved in evolutionarily distant species, increasing t he likelihood that a change would not be tolerated. Computational predictions ar e inconsistent (AlignGVGD = benign, SIFT = pathogenic), though their accuracy is unknown. Additional data is required to assess the clinical significance of thi s variant.